The following is an entry in ClinVar:

NM_005886.3(KATNB1):c.632+3G>A

Gene: KATNB1 (katanin regulatory subunit B1; plus strand). Cytogenetic location: 16q21.
Variant type: single nucleotide variant.
Coding change: c.632+3G>A on transcript NM_005886.3 (MANE Select); 3 bases into the intron after coding-DNA position 632, G replaced by A.
Molecular consequence: intron variant.
Genome position (GRCh38, 1-based): chr16:57,752,058, G>A. VCF-style: chr16-57752058-G-A. GRCh37 (hg19) VCF-style: chr16-57785970-G-A.
Identifiers: ClinVar variation 2106667 (VCV002106667.4), dbSNP rs782795487, ClinGen allele CA8080818.
Genomic context (GRCh38, chr16:57,752,058, plus strand): 5'-TCAACGTGGTCGAGTTTCACCCCAACGAGTACCTCCTGGCCTCCGGCAGCTCTGACAGGT[G>A]AGGAGGAGGAGCGAGGCGAGTTGCTTGTGACTGCTGTCCTTCACCGCCTTGTCCTCTGTG-3'

ClinVar aggregate classification (germline): Uncertain significance (1 of 4 stars; one submission).

Allele frequency attached by ClinVar (database versions not stated): ExAC 0.00001.

Submission:

Labcorp Genetics (formerly Invitae), Labcorp
Classification: Uncertain significance. Last evaluated: 2022-09-06. Review status: criteria provided, single submitter. Criteria: Invitae Variant Classification Sherloc (09022015). Collection method: clinical testing. Allele origin: germline.
Comment: This sequence change falls in intron 8 of the KATNB1 gene. It does not directly change the encoded amino acid sequence of the KATNB1 protein. It affects a nucleotide within the consensus splice site. This variant is present in population databases (rs782795487, gnomAD no frequency). This variant has not been reported in the literature in individuals affected with KATNB1-related conditions. Variants that disrupt the consensus splice site are a relatively common cause of aberrant splicing (PMID: 17576681, 9536098). Algorithms developed to predict the effect of sequence changes on RNA splicing suggest that this variant is not likely to affect RNA splicing. In summary, the available evidence is currently insufficient to determine the role of this variant in disease. Therefore, it has been classified as a Variant of Uncertain Significance.

Literature cited by the submitters: PubMed 17576681; PubMed 9536098.